The following is an entry in ClinVar:

ClinVar aggregate classification (germline): Uncertain significance (1 of 4 stars; one submission).

Submission:

GeneDx
Classification: Uncertain significance. Last evaluated: 2026-02-05. Review status: criteria provided, single submitter. Criteria: GeneDx Variant Classification Process June 2021. Collection method: clinical testing. Allele origin: germline. Affected: yes.
Comment: Not observed at significant frequency in large population cohorts (gnomAD); In silico analysis suggests that this missense variant does not alter protein structure/function; Has not been previously published as pathogenic or benign to our knowledge

NM_006950.3(SYN1):c.1665G>T (p.Gln555His)

Gene: SYN1 (synapsin I; minus strand). Cytogenetic location: Xp11.3.
Variant type: single nucleotide variant.
Coding change: c.1665G>T on transcript NM_006950.3 (MANE Select); coding-DNA position 1665, G replaced by T.
Protein change: p.Gln555His; replaces glutamine 555 with histidine.
Molecular consequence: missense variant.
Genome position (GRCh38, 1-based): chrX:47,574,319, C>A on the plus strand (G>T on the coding strand, the complement: SYN1 is on the minus strand). VCF-style: chrX-47574319-C-A. GRCh37 (hg19) VCF-style: chrX-47433718-C-A.
Other names: p.Q555H:CAG>CAT; c.1665G>T, p.Gln555His (NM_133499.2); short protein forms Q555H.
Identifiers: ClinVar variation 207475 (VCV000207475.4), dbSNP rs796053396, ClinGen allele CA318964.